The following is an entry in ClinVar:

NM_001100913.3(PACS2):c.535A>G (p.Ile179Val)

Gene: PACS2 (phosphofurin acidic cluster sorting protein 2; plus strand). Cytogenetic location: 14q32.33.
Variant type: single nucleotide variant.
Coding change: c.535A>G on transcript NM_001100913.3 (MANE Select); coding-DNA position 535, A replaced by G.
Protein change: p.Ile179Val; replaces isoleucine 179 with valine.
Molecular consequence: missense variant.
Genome position (GRCh38, 1-based): chr14:105,367,324, A>G. VCF-style: chr14-105367324-A-G. GRCh37 (hg19) VCF-style: chr14-105833661-A-G.
Other names: c.334A>G, p.Ile112Val (NM_001243127.3); c.535A>G, p.Ile179Val (NM_015197.4); short protein forms I112V, I179V.
Identifiers: ClinVar variation 2815769 (VCV002815769.3), dbSNP rs1189415917, ClinGen allele CA391173715.

ClinVar aggregate classification (germline): Uncertain significance (1 of 4 stars; one submission).

Allele frequency attached by ClinVar (database versions not stated): gnomAD exomes below 0.00001; TOPMed below 0.00001; gnomAD 0.00001.
gnomAD v4.1: 3 of 1,613,236 alleles (0.00019%); highest among the groups gnomAD compares: Non-Finnish European, 0.00025%; no homozygotes.

Submission:

Labcorp Genetics (formerly Invitae), Labcorp
Classification: Uncertain significance. Last evaluated: 2023-10-11. Review status: criteria provided, single submitter. Criteria: Invitae Variant Classification Sherloc (09022015). Collection method: clinical testing. Allele origin: germline.
Comment: This sequence change replaces isoleucine, which is neutral and non-polar, with valine, which is neutral and non-polar, at codon 179 of the PACS2 protein (p.Ile179Val). This variant is not present in population databases (gnomAD no frequency). This variant has not been reported in the literature in individuals affected with PACS2-related conditions. Algorithms developed to predict the effect of missense changes on protein structure and function output the following: SIFT: "Not Available"; PolyPhen-2: "Benign"; Align-GVGD: "Not Available". The valine amino acid residue is found in multiple mammalian species, which suggests that this missense change does not adversely affect protein function. In summary, the available evidence is currently insufficient to determine the role of this variant in disease. Therefore, it has been classified as a Variant of Uncertain Significance.